The following is an entry in ClinVar:

ClinVar aggregate classification (germline): Uncertain significance (1 of 4 stars; one submission).

Submission:

CeGaT Center for Human Genetics Tuebingen
Classification: Uncertain significance. Last evaluated: 2026-07-01. Review status: criteria provided, single submitter. Criteria: CeGaT Center For Human Genetics Tuebingen Variant Classification Criteria Version 2. Collection method: clinical testing. Allele origin: germline. Affected: yes. Observed: 1 variant allele.
Comment: TTN: PM2

NM_001267550.2(TTN):c.47102G>A (p.Arg15701Lys)

Genes: TTN (titin; minus strand), TTN-AS1 (TTN antisense RNA 1; plus strand). Cytogenetic location: 2q31.2.
Variant type: single nucleotide variant.
Coding change: c.47102G>A on transcript NM_001267550.2 (MANE Select); coding-DNA position 47102, G replaced by A.
Protein change: p.Arg15701Lys; replaces arginine 15701 with lysine.
Molecular consequence: missense variant.
Genome position (GRCh38, 1-based): chr2:178,618,356, C>T on the plus strand (G>A on the coding strand, the complement: TTN is on the minus strand). VCF-style: chr2-178618356-C-T. GRCh37 (hg19) VCF-style: chr2-179483083-C-T.
Other names: c.42179G>A, p.Arg14060Lys (NM_001256850.1); c.19907G>A, p.Arg6636Lys (NM_003319.4); c.39398G>A, p.Arg13133Lys (NM_133378.4); c.20282G>A, p.Arg6761Lys (NM_133432.3); c.20483G>A, p.Arg6828Lys (NM_133437.4); short protein forms R13133K, R14060K, R15701K, R6636K, R6761K, R6828K.
Identifiers: ClinVar variation 5040077 (VCV005040077.1).